The following is an entry in ClinVar:

NM_007294.4(BRCA1):c.3812G>C (p.Ser1271Thr)

Genes: BRCA1 (BRCA1 DNA repair associated; minus strand), LOC126862571 (BRD4-independent group 4 enhancer GRCh37_chr17:41243136-41244335; plus strand). Cytogenetic location: 17q21.31.
Variant type: single nucleotide variant.
Coding change: c.3812G>C on transcript NM_007294.4 (MANE Select); coding-DNA position 3812, G replaced by C.
Protein change: p.Ser1271Thr; replaces serine 1271 with threonine.
Molecular consequence: missense variant. On other transcripts: intron variant (135).
Genome position (GRCh38, 1-based): chr17:43,091,719, C>G on the plus strand (G>C on the coding strand, the complement: BRCA1 is on the minus strand). VCF-style: chr17-43091719-C-G. GRCh37 (hg19) VCF-style: chr17-41243736-C-G.
Other names: c.710-687G>C (NM_001408414.1, NM_001408411.1, NM_001408412.1 and 2 more transcripts); c.3671G>C, p.Ser1224Thr (NM_001407751.1, NM_001407752.1, NM_001407942.1 and 29 more transcripts); c.3668G>C, p.Ser1223Thr (NM_001407848.1, NM_001407839.1, NM_001407841.1 and 20 more transcripts); c.578-687G>C (NM_001408514.1, NM_001408485.1, NM_001408481.1 and 9 more transcripts); c.785-687G>C (NM_001408392.1, NM_001407986.1, NM_001407972.1 and 13 more transcripts); c.662-687G>C (NM_001408447.1, NM_001408433.1, NM_001408446.1 and 6 more transcripts); c.665-687G>C (NM_001408441.1, NM_001408437.1, NM_001408429.1 and 12 more transcripts); c.788-687G>C (NM_001407979.1, NM_001407980.1, NM_001407993.1 and 17 more transcripts); and 41 more; short protein forms S1271T, S1224T, S1103T, S1159T, S1201T, S1229T, S1270T, S403T.
Identifiers: ClinVar variation 570753 (VCV000570753.12), dbSNP rs1567789989, ClinGen allele CA10594343.

ClinVar aggregate classification (germline): Conflicting classifications of pathogenicity. Review status: criteria provided, conflicting classifications (1 of 4 stars). 2 submissions from 2 submitters: Uncertain significance (1); Likely benign (1). Last evaluated 2023-03-23.

Conditions:
Hereditary breast ovarian cancer syndrome. Also called: Hereditary breast and ovarian cancer syndrome; Breast and ovarian cancer; Hereditary breast and ovarian cancer; Hereditary breast and/or ovarian cancer syndrome; Hereditary breast and ovarian cancer syndrome (HBOC); BRCA1- and BRCA2-Associated Hereditary Breast and Ovarian Cancer. Identifiers: Orphanet 145, MedGen C0677776, MeSH D061325, MONDO:0003582. Disease mechanism: loss of function.
Hereditary cancer-predisposing syndrome. Also called: Hereditary neoplastic syndrome; Tumor predisposition; Neoplastic Syndromes, Hereditary; Hereditary Cancer Syndrome. Identifiers: Orphanet 140162, MedGen C0027672, MeSH D009386, MONDO:0015356.

Submissions (2):

University of Washington Department of Laboratory Medicine, University of Washington
Classification: Likely benign for Hereditary cancer-predisposing syndrome. Last evaluated: 2023-03-23. Review status: criteria provided, single submitter. Criteria: Dines et al. (Genet Med. 2020). Collection method: curation. Allele origin: germline.
Comment: Missense variant in a coldspot region where missense variants are very unlikely to be pathogenic (PMID:31911673).

BRCA1 coldspot (exon 11 using historical exon numbering). Reclassification based on statistical prior probability

Labcorp Genetics (formerly Invitae), Labcorp
Classification: Uncertain significance for Hereditary breast ovarian cancer syndrome. Last evaluated: 2018-03-06. Review status: criteria provided, single submitter. Criteria: Invitae Variant Classification Sherloc (09022015). Collection method: clinical testing. Allele origin: germline.
Comment: Algorithms developed to predict the effect of missense changes on protein structure and function output the following: SIFT: "Tolerated"; PolyPhen-2: "Benign"; Align-GVGD: "Class C0". The threonine amino acid residue is found in multiple mammalian species, suggesting that this missense change does not adversely affect protein function. These predictions have not been confirmed by published functional studies and their clinical significance is uncertain. This sequence change replaces serine with threonine at codon 1271 of the BRCA1 protein (p.Ser1271Thr). The serine residue is moderately conserved and there is a small physicochemical difference between serine and threonine. This variant is not present in population databases (ExAC no frequency). This variant has not been reported in the literature in individuals with BRCA1-related disease. In summary, the available evidence is currently insufficient to determine the role of this variant in disease. Therefore, it has been classified as a Variant of Uncertain Significance.